The following continues an entry in ClinVar:

NM_000535.7(PMS2):c.2117del (p.Lys706fs)

Gene: PMS2. ClinVar aggregate classification (germline): Pathogenic. Pathogenic (16).

Submissions 10 to 19 of 19:

GeneDx
Classification: Pathogenic. Last evaluated: 2022-04-08. Review status: criteria provided, single submitter. Criteria: GeneDx Variant Classification Process June 2021. Collection method: clinical testing. Allele origin: germline. Affected: yes.
Comment: Frameshift variant predicted to result in protein truncation or nonsense mediated decay in a gene for which loss-of-function is a known mechanism of disease; Observed with a pathogenic variant on the opposite allele (in trans) and in the homozygous state in patients with Constitutional Mismatch Repair Deficiency syndrome in the published literature (Adam 2016, Bouffet 2016); Observed in patients with Lynch-related cancers and tumor studies consistent with pathogenic variants in this gene (Goodenberger 2016, Suerink 2015, Yurgelun 2017, Wang 2020); Truncating variants in this gene are considered pathogenic by a well-established clinical consortium and/or database; Not observed in large population cohorts (gnomAD); This variant is associated with the following publications: (PMID: 26681312, 25856668, 26110232, 28514183, 28135145, 28152038, 23012243, 27001570, 27476653, 30322717, 32885271, 30787465, 31992580, 31447099)

Laboratory for Molecular Medicine, Mass General Brigham Personalized Medicine
Classification: Pathogenic for Lynch syndrome. Last evaluated: 2021-12-01. Review status: criteria provided, single submitter. Criteria: ACMG Guidelines, 2015. Collection method: clinical testing. Allele origin: germline. Inheritance: Autosomal dominant inheritance.
Comment: The p.Lys706SerfsX19 variant in PMS2 has been reported in at least 6 individuals with Lynch syndrome-associated cancers (Vaughn 2013 PMID: 23012243, Goodenberger 2015 PMID: 25856668, Susswein 2016 PMID: 26681312, Yurgelun 2017 PMID: 28135145, Carter 2018 PMID: 30322717, Lerner-Ellis 2020 PMID: 32885271, Wang 2020 PMID: 31992580), as well as in 4 individuals from a family included in a study of pre-symptomatic and symptomatic variant carriers (Suerink 2016 PMID: 26110232, no clinical details provided). It has also been reported in the homozygous state in two siblings with constitutional mismatch repair deficiency syndrome (Bouffet 2016 PMID: 27001570). This variant has been reported by other clinical laboratories in ClinVar (Variation ID: 14276) and was absent from large population studies. This variant is predicted to cause a frameshift, which alters the protein’s amino acid sequence beginning at position 706 and leads to a premature termination codon 19 amino acids downstream. This alteration is then predicted to lead to a truncated or absent protein. Loss of function of the PMS2 gene is an established disease mechanism in autosomal dominant Lynch syndrome. In summary, this variant meets criteria to be classified as pathogenic for autosomal dominant Lynch syndrome. ACMG/AMP Criteria applied: PVS1, PM2_Supporting, PS4_Moderate.

Institute of Medical Genetics and Applied Genomics, University Hospital Tübingen
Classification: Pathogenic. Last evaluated: 2020-10-23. Review status: criteria provided, single submitter. Criteria: ACMG Guidelines, 2015. Collection method: clinical testing. Allele origin: germline. Inheritance: Autosomal unknown. Affected: yes.

Genetic Services Laboratory, University of Chicago
Classification: Pathogenic. Last evaluated: 2020-03-30. Review status: criteria provided, single submitter. Criteria: ACMG Guidelines, 2015. Collection method: clinical testing. Allele origin: germline. Affected: yes.
Comment: DNA sequence analysis of the PMS2 gene demonstrated a 1 base pair deletion in exon 12, c.2117del. This pathogenic sequence change results in an amino acid frameshift and creates a premature stop codon 18 amino acids downstream of the mutation, p.Lys706Serfs*19. This pathogenic sequence change is predicted to result in an abnormal transcript, which may be degraded, or may lead to the production of a truncated PMS2 protein with potentially abnormal function. This sequence change has not been reported in population databases (gnomAD, ExAC). The p.Lys706Serfs*19 change has been reported in individuals with Lynch syndrome (PMID: 26110232, 23012243, 25856668, 28135145), constitutional mismatch repair deficiency syndrome (CMMR-D) (PMID: 27001570, 27476653), and ovarian cancer (PMID: 26681312). Additionally, other frameshift deletions downstream of this sequence change in PMS2 have been described in patients with Lynch syndrome (PMIDs: 22081473, 24689082). These collective evidences suggest this is a pathogenic sequence change, however functional studies have not been performed to prove this conclusively.

Division of Medical Genetics, University of Washington
Classification: Pathogenic for Lynch syndrome 4. Last evaluated: 2019-11-06. Review status: criteria provided, single submitter. Criteria: ACMG Guidelines, 2015. Collection method: clinical testing. Allele origin: germline. Affected: no. Study: CSER_CHARM.
Comment: This variant leads to a translational frameshift and the introduction of a premature termination codon 19 residues downstream. The variant transcript is predicted to be unstable and degraded by nonsense-mediated decay. Loss of expression of one allele of PMS2 is a well-established mechanism of disease for Lynch syndrome. This variant has been reported in the literature in an individual with colon cancer (Leiter 1965) and a family with Lynch syndrome (Suerink 2016). It has also been reported in individuals with constitutional mismatch repair deficiency syndrome (Bouffet 2016, Adam 2016). This variant is not present in population databases. Thus, this variant is interpreted as pathogenic. PM2; PVS1; PM3

Human Genome Sequencing Center Clinical Lab, Baylor College of Medicine
Classification: Pathogenic for Lynch syndrome 4. Last evaluated: 2017-09-19. Review status: criteria provided, single submitter. Criteria: ACMG Guidelines, 2015. Collection method: clinical testing. Allele origin: germline.
Comment: This variant was also recently detected at the homozygous state in 2 young siblings with recurrent gliobalstoma multiforme and NF1 features [PMID 27001570]. Treatment with the anti-programmed death-1 inhibitor nivolumab resulted in clinically significant responses and a profound radiologic response. This variant was not observed in the ExAC population database nor in our patient cohort. This 1 bp deletion is located in exon 12, and leads to a frameshift and a premature stop codon. This variant is expected to result in a loss of function of the protein and is thus classified as pathogenic. Pathogenic variant in the PMS2 gene are considered medically actionable [ACMG59, PMID 27854360]

ARUP Laboratories, Molecular Genetics and Genomics, ARUP Laboratories
Classification: Pathogenic. Last evaluated: 2016-08-25. Review status: criteria provided, single submitter. Criteria: ARUP Molecular Germline Variant Investigation Process. Collection method: clinical testing. Allele origin: germline.

PreventionGenetics, part of Exact Sciences
Classification: Pathogenic for PMS2-related condition. Last evaluated: 2024-05-29. Review status: no assertion criteria provided. Collection method: clinical testing. Allele origin: germline. Not counted in ClinVar's aggregate classification.
Comment: The PMS2 c.2117delA variant is predicted to result in a frameshift and premature protein termination (p.Lys706Serfs*19). This variant has been reported in the homozygous state in two siblings with mismatch repair deficiency (Bouffet et al. 2016. PubMed ID: 27001570), and in multiple patients with breast and/or ovarian cancer (Supplemental Table 1, Carter et al. 2018. PubMed ID: 30322717, Supplemental Tables, Lerner-Ellis et al. 2020. PubMed ID: 32885271; Table S1, Susswein et al. 2015. PubMed ID: 26681312), and also in patients with Lynch syndrome (Patient Ly-51, Wang et al. 2020. PubMed ID: 31992580; Table A1, Yurgelun et al. 2017. PubMed ID: 28135145). This variant has not been reported in a large population database, indicating this variant is rare. This variant is interpreted as pathogenic by multiple submitters in ClinVar. Frameshift variants in PMS2 are expected to be pathogenic. This variant is interpreted as pathogenic.

Zotz-Klimas Genetics Lab, MVZ Zotz Klimas
Classification: Pathogenic for Lynch syndrome 4. Last evaluated: 2023-11-24. Review status: no assertion criteria provided. Collection method: clinical testing. Allele origin: germline. Affected: yes. Not counted in ClinVar's aggregate classification.

Department of Pathology and Laboratory Medicine, Sinai Health System
Classification: Pathogenic for Endometrial carcinoma. Review status: no assertion criteria provided. Collection method: clinical testing. Allele origin: unknown. Affected: yes. Observed: 4 variant alleles. Study: The Canadian Open Genetics Repository (COGR). Not counted in ClinVar's aggregate classification.
Comment: The PMS2 p.Lys706SerfsX19 variant was identified in 5 of 90280 proband chromosomes (frequency: 0.00005) from American individuals or families with CRC and unexplained adenomatous polyposis (Yurgelun 2017, Espenschied 2017, Adam 2016). In one study looking at glioblastomas, this variant was identified in homozygous state in 2 affected siblings with characteristics of CMMRD (Constitutional Mismatch Repair Deficiency) exhibiting cafâˆšÂ©-au-lait spots and neurofibromatosis type 1 and glioblastoma tumors showing a higher mutation load than sporadic pediatric and adult gliomas (Bouffet 2016). In another study looking at unexplained FAP, 1 individual carried the variant with a co-occurring pathogenic PMS2 variant (c.1A>T [p.Met1?), confirming CMMRD (Adam 2016). The variant was also identified in dbSNP (ID: rs587782704) â€šÃ„ÃºWith Pathogenic alleleâ€šÃ„Ã¹, ClinVar (classified pathogenic by Ambry Genetics, GeneDx and Invitae), Clinvitae (3x), COGR (classified as pathogenic by 1 clinical laboratory), Insight Colon Cancer Gene Variant Database, and Insight Hereditary Tumors Database. The variant was not identified in Cosmic, MutDB, Zhejiang Colon Cancer Database, Mismatch Repair Genes Variant Database, the 1000 Genomes Project, the NHLBI GO Exome Sequencing Project or the Exome Aggregation Consortium (August 8th 2016). The p.Lys706SerfsX19 variant is predicted to cause a frameshift, which alters the protein's amino acid sequence beginning at codon 706 and leads to a premature stop codon 19 codons downstream. This alteration is then predicted to result in a truncated or absent protein and loss of function. Loss of function variants of the PMS2 gene are an established mechanism of disease in Lynch syndrome and is the type of variant expected to cause the disorder. In summary, based on the above information this variant meets our laboratoryâ€šÃ„Ã´s criteria to be classified as pathogenic.

Literature cited by the submitters: PubMed 21376568 (cited by Labcorp Genetics (formerly Invitae), Labcorp); PubMed 24362816 (cited by Labcorp Genetics (formerly Invitae), Labcorp); PubMed 23012243 (cited by 4 submitters); PubMed 25856668 (cited by 7 submitters); PubMed 26110232 (cited by 6 submitters); PubMed 26681312 (cited by 5 submitters); PubMed 27001570 (cited by 7 submitters); PubMed 27476653 (cited by 4 submitters); PubMed 28135145 (cited by 4 submitters); PubMed 30322717 (cited by 4 submitters); PubMed 30680046 (cited by Labcorp Genetics (formerly Invitae), Labcorp); PubMed 31992580 (cited by 3 submitters); PubMed 26921362 (cited by Ambry Genetics); PubMed 34308104 (cited by Quest Diagnostics Nichols Institute San Juan Capistrano); PubMed 32885271 (cited by Quest Diagnostics Nichols Institute San Juan Capistrano and Laboratory for Molecular Medicine, Mass General Brigham Personalized Medicine).